The following is an entry in ClinVar:

ClinVar aggregate classification (germline): Uncertain significance. Review status: criteria provided, multiple submitters, no conflicts (2 of 4 stars). 2 submissions from 2 submitters: Uncertain significance (2). Last evaluated 2026-02-14.

Conditions:
Hereditary cancer-predisposing syndrome. Also called: Hereditary Cancer Syndrome; Tumor predisposition; Neoplastic Syndromes, Hereditary; Hereditary neoplastic syndrome. Identifiers: Orphanet 140162, MedGen C0027672, MeSH D009386, MONDO:0015356.
BAP1-related tumor predisposition syndrome (TPDS1). Also called: BAP1 tumor predisposition syndrome; COMMON Syndrome; TUMOR PREDISPOSITION SYNDROME 1; Tumor susceptibility linked to germline BAP1 mutations. Identifiers: Orphanet 289539, MedGen C3280492, MONDO:0013692, OMIM 614327.

Submissions (2):

Ambry Genetics
Classification: Uncertain significance for Hereditary cancer-predisposing syndrome. Last evaluated: 2026-02-14. Review status: criteria provided, single submitter. Criteria: Ambry Variant Classification Scheme 2023. Collection method: clinical testing. Allele origin: germline.
Comment: The p.V704F variant (also known as c.2110G>T), located in coding exon 17 of the BAP1 gene, results from a G to T substitution at nucleotide position 2110. The valine at codon 704 is replaced by phenylalanine, an amino acid with highly similar properties. This amino acid position is conserved. In addition, the in silico prediction for this alteration is inconclusive. Based on the available evidence, the clinical significance of this variant remains unclear.

Labcorp Genetics (formerly Invitae), Labcorp
Classification: Uncertain significance for BAP1-related tumor predisposition syndrome. Last evaluated: 2021-02-03. Review status: criteria provided, single submitter. Criteria: Invitae Variant Classification Sherloc (09022015). Collection method: clinical testing. Allele origin: germline.
Comment: In summary, the available evidence is currently insufficient to determine the role of this variant in disease. Therefore, it has been classified as a Variant of Uncertain Significance. Algorithms developed to predict the effect of missense changes on protein structure and function are either unavailable or do not agree on the potential impact of this missense change (SIFT: "Deleterious"; PolyPhen-2: "Probably Damaging"; Align-GVGD: "Class C0"). This variant has not been reported in the literature in individuals with BAP1-related conditions. This variant is not present in population databases (ExAC no frequency). This sequence change replaces valine with phenylalanine at codon 704 of the BAP1 protein (p.Val704Phe). The valine residue is highly conserved and there is a small physicochemical difference between valine and phenylalanine.

NM_004656.4(BAP1):c.2110G>T (p.Val704Phe)

Gene: BAP1 (BRCA1 associated deubiquitinase 1; minus strand). Cytogenetic location: 3p21.1.
Variant type: single nucleotide variant.
Coding change: c.2110G>T on transcript NM_004656.4 (MANE Select); coding-DNA position 2110, G replaced by T.
Protein change: p.Val704Phe; replaces valine 704 with phenylalanine.
Molecular consequence: missense variant.
Genome position (GRCh38, 1-based): chr3:52,402,368, C>A on the plus strand (G>T on the coding strand, the complement: BAP1 is on the minus strand). VCF-style: chr3-52402368-C-A. GRCh37 (hg19) VCF-style: chr3-52436384-C-A.
Other names: c.2110G>T (NM_004656.2); short protein forms V704F.
Identifiers: ClinVar variation 860703 (VCV000860703.8), dbSNP rs1704985255, ClinGen allele CA353094307.